The following is an entry in ClinVar:

NM_002485.5(NBN):c.2179dup (p.Met727fs)

Gene: NBN (nibrin; minus strand). Cytogenetic location: 8q21.3.
Variant type: Duplication.
Coding change: c.2179dup on transcript NM_002485.5 (MANE Select); coding-DNA position 2179, one base duplicated (A; older notation c.2179dupA).
Protein change: p.Met727fs; shifts the reading frame from methionine 727.
Molecular consequence: frameshift variant.
Genome position (GRCh38, 1-based): chr8:89,943,258, T duplicated on the plus strand (A on the coding strand, the reverse complement: NBN is on the minus strand); the first of 3 consecutive T bases (chr8:89,943,258-89,943,260); duplicating any one gives the same sequence. VCF-style (leftmost placement, unchanged base first): chr8-89943257-A-AT. GRCh37 (hg19) VCF-style: chr8-90955485-A-AT.
Other names: c.1933dup, p.Met645fs (NM_001024688.3); c.2179dupA (NM_002485.4); short protein forms M727fs, M645fs.
Identifiers: ClinVar variation 2233546 (VCV002233546.2), dbSNP rs2488190676, ClinGen allele CA2580079011.
Genomic context (GRCh38, chr8:89,943,257, plus strand): 5'-CCATAATGGACCAAAGTGCAATTTAAGCAAGTTTCTGGGCCTCACTTCCTACTAACCTCC[A>AT]TTTCCTGCCTTAGCCACTCTTCTAGTTCTGTATTCTTTCGAGCATGATGAGCTATTAGAT-3'

ClinVar aggregate classification (germline): Uncertain significance (1 of 4 stars; one submission).

Conditions:
Hereditary cancer-predisposing syndrome. Also called: Neoplastic Syndromes, Hereditary; Tumor predisposition; Hereditary Cancer Syndrome; Hereditary neoplastic syndrome. Identifiers: Orphanet 140162, MedGen C0027672, MeSH D009386, MONDO:0015356.

Submission:

Ambry Genetics
Classification: Uncertain significance for Hereditary cancer-predisposing syndrome. Last evaluated: 2021-08-02. Review status: criteria provided, single submitter. Criteria: Ambry Variant Classification Scheme 2023. Collection method: clinical testing. Allele origin: germline.
Comment: Not expected to trigger nonsense-mediated mRNA decay Based on insufficient or conflicting evidence, the clinical significance of this alteration remains unclear.